The following is an entry in ClinVar:

ClinVar aggregate classification (germline): Likely benign (1 of 4 stars; one submission).

Allele frequency attached by ClinVar (database versions not stated): gnomAD 0.00001; TOPMed below 0.00001.
gnomAD v4.1: 3 of 1,550,038 alleles (0.00019%); highest among the groups gnomAD compares: Admixed American, 0.002%; no homozygotes.

Submission:

CeGaT Center for Human Genetics Tuebingen
Classification: Likely benign. Last evaluated: 2022-06-01. Review status: criteria provided, single submitter. Criteria: CeGaT Center For Human Genetics Tuebingen Variant Classification Criteria Version 2. Collection method: clinical testing. Allele origin: germline. Affected: yes. Observed: 1 variant allele.
Comment: ZNF469: BP4

NM_001367624.2(ZNF469):c.1073C>T (p.Pro358Leu)

Gene: ZNF469 (zinc finger protein 469; plus strand). Cytogenetic location: 16q24.2.
Variant type: single nucleotide variant.
Coding change: c.1073C>T on transcript NM_001367624.2 (MANE Select); coding-DNA position 1073, C replaced by T.
Protein change: p.Pro358Leu; replaces proline 358 with leucine.
Molecular consequence: missense variant.
Genome position (GRCh38, 1-based): chr16:88,428,543, C>T. VCF-style: chr16-88428543-C-T. GRCh37 (hg19) VCF-style: chr16-88494951-C-T.
Other names: short protein forms P358L.
Identifiers: ClinVar variation 2646967 (VCV002646967.24), dbSNP rs1410186217, ClinGen allele CA397063013.